The following is an entry in ClinVar:

NM_001267550.2(TTN):c.89839C>T (p.Arg29947Ter)

Genes: TTN (titin; minus strand), TTN-AS1 (TTN antisense RNA 1; plus strand). Cytogenetic location: 2q31.2.
Variant type: single nucleotide variant.
Coding change: c.89839C>T on transcript NM_001267550.2 (MANE Select); coding-DNA position 89839, C replaced by T.
Protein change: p.Arg29947Ter; replaces arginine 29947 with a stop codon.
Molecular consequence: nonsense.
Genome position (GRCh38, 1-based): chr2:178,553,061, G>A on the plus strand (C>T on the coding strand, the complement: TTN is on the minus strand). VCF-style: chr2-178553061-G-A. GRCh37 (hg19) VCF-style: chr2-179417788-G-A.
Other names: c.82135C>T, p.Arg27379Ter (NM_133378.4); c.84916C>T, p.Arg28306Ter (NM_001256850.1); c.62644C>T, p.Arg20882Ter (NM_003319.4); c.63019C>T, p.Arg21007Ter (NM_133432.3); c.63220C>T, p.Arg21074Ter (NM_133437.4); short protein forms R27379*, R29947*, R21007*, R28306*, R20882*, R21074*.
Identifiers: ClinVar variation 179921 (VCV000179921.12), dbSNP rs727505224, ClinGen allele CA273662.

ClinVar aggregate classification (germline): Likely pathogenic. Review status: criteria provided, multiple submitters, no conflicts (2 of 4 stars). 3 submissions from 3 submitters: Likely pathogenic (3). Last evaluated 2026-07-16.

Conditions:
Cardiovascular phenotype. Identifiers: MedGen CN230736.
Autosomal recessive limb-girdle muscular dystrophy type 2J (LGMDR10). Also called: Limb-girdle muscular dystrophy, type 2J; MUSCULAR DYSTROPHY, LIMB-GIRDLE, AUTOSOMAL RECESSIVE 10. Identifiers: Orphanet 140922, MedGen C1837342, MONDO:0012127, OMIM 608807.
Dilated cardiomyopathy 1G (CMD1G). Identifiers: Orphanet 154, MedGen C1858763, MONDO:0011400, OMIM 604145.
Primary dilated cardiomyopathy (DCM). Also called: Dilated Cardiomyopathy. Identifiers: Orphanet 217604, MedGen C0007193, MeSH D002311, MONDO:0005021, HP:0001644. Inheritance: Various modes of inheritance.

Allele frequency attached by ClinVar (database versions not stated): gnomAD exomes below 0.00001.
gnomAD v4.1: 1 of 1,612,508 alleles (0.000062%); highest among the groups gnomAD compares: Non-Finnish European, 0.000085%; no homozygotes.

Submissions (3):

Ambry Genetics
Classification: Likely pathogenic for Cardiovascular phenotype. Last evaluated: 2026-07-16. Review status: criteria provided, single submitter. Criteria: Ambry Variant Classification Scheme 2023. Collection method: clinical testing. Allele origin: germline.
Comment: The p.R20882* variant (also known as c.62644C>T), located in coding exon 162 of the TTN gene, results from a C to T substitution at nucleotide position 62644. This changes the amino acid from an arginine to a stop codon within coding exon 162. This exon is located in the A-band region of the N2-B isoform of the titin protein and is constitutively expressed in TTN transcripts (percent spliced in or PSI 100%). This variant is considered to be rare based on population cohorts in the Genome Aggregation Database (gnomAD). This variant is expected to result in loss of function by premature protein truncation or nonsense-mediated mRNA decay. While truncating variants in TTN are present in 1-3% of the general population, truncating variants in the A-band are the most common cause of dilated cardiomyopathy (Herman DS et al. N. Engl. J. Med., 2012 Feb;366:619-28; Roberts AM et al. Sci Transl Med, 2015 Jan;7:270ra6). TTN truncating variants encoded in constitutive exons (PSI >90%) have been found to be significantly associated with DCM regardless of their position in titin (Schafer S et al. Nat. Genet., 2017 01;49:46-53; Akhtar MM et al. Circ Heart Fail, 2020 Oct;13:e006832; Massier M et al. Clin Genet, 2025 Jan). Based on the majority of available evidence to date, this variant is likely to be pathogenic.

Labcorp Genetics (formerly Invitae), Labcorp
Classification: Likely pathogenic for Dilated cardiomyopathy 1G; Autosomal recessive limb-girdle muscular dystrophy type 2J. Last evaluated: 2025-09-10. Review status: criteria provided, single submitter. Criteria: Invitae Variant Classification Sherloc (09022015). Collection method: clinical testing. Allele origin: germline.
Comment: This sequence change creates a premature translational stop signal (p.Arg29947*) in the TTN gene. While this is not anticipated to result in nonsense mediated decay, it is expected to create a truncated TTN protein. This variant is not present in population databases (gnomAD no frequency). This variant has not been reported in the literature in individuals affected with TTN-related conditions. ClinVar contains an entry for this variant (Variation ID: 179921). This variant is located in the A band of TTN (PMID: 25589632). Truncating variants in this region are significantly overrepresented in patients affected with dilated cardiomyopathy (PMID: 25589632). Truncating variants in this region have also been reported in individuals affected with autosomal recessive centronuclear myopathy (PMID: 23975875). In summary, the currently available evidence indicates that the variant is pathogenic, but additional data are needed to prove that conclusively. Therefore, this variant has been classified as Likely Pathogenic.

Laboratory for Molecular Medicine, Mass General Brigham Personalized Medicine
Classification: Likely pathogenic for Primary dilated cardiomyopathy. Last evaluated: 2014-08-07. Review status: criteria provided, single submitter. Criteria: LMM Criteria. Collection method: clinical testing. Allele origin: germline. Inheritance: Autosomal dominant inheritance. Observed: 2 variant alleles.
Comment: The p.Arg27379X variant in TTN has not been previously reported in individuals w ith cardiomyopathy or in large population studies. This nonsense variant leads t o a premature termination codon at position 27379, which is predicted to lead to a truncated or absent protein. Nonsense and other truncating variants in TTN ar e strongly associated with DCM and the majority occur in exons encoding for the A-band region of the protein (Herman 2012, Pugh 2014), where this variant is loc ated. In summary, although additional studies are required to fully establish it s clinical significance, the p.Arg27379X variant is likely pathogenic.

Literature cited by the submitters: PubMed 25589632 (cited by Labcorp Genetics (formerly Invitae), Labcorp); PubMed 23975875 (cited by Labcorp Genetics (formerly Invitae), Labcorp).